The following is an entry in ClinVar:

NM_001904.4(CTNNB1):c.1088T>C (p.Met363Thr)

Gene: CTNNB1 (catenin beta 1; plus strand). Cytogenetic location: 3p22.1.
Variant type: single nucleotide variant.
Coding change: c.1088T>C on transcript NM_001904.4 (MANE Select); coding-DNA position 1088, T replaced by C.
Protein change: p.Met363Thr; replaces methionine 363 with threonine.
Molecular consequence: missense variant.
Genome position (GRCh38, 1-based): chr3:41,233,347, T>C. VCF-style: chr3-41233347-T-C. GRCh37 (hg19) VCF-style: chr3-41274838-T-C.
Other names: c.1088T>C, p.Met363Thr (NM_001098209.2, NM_001098210.2); c.1067T>C, p.Met356Thr (NM_001330729.2); short protein forms M356T, M363T.
Identifiers: ClinVar variation 1471787 (VCV001471787.8), dbSNP rs2125637503, ClinGen allele CA352231997.

ClinVar aggregate classification (germline): Uncertain significance (1 of 4 stars; one submission).

Allele frequency attached by ClinVar (database versions not stated): gnomAD exomes below 0.00001.
gnomAD v4.1: 2 of 1,614,198 alleles (0.00012%); highest among the groups gnomAD compares: Non-Finnish European, 0.00017%; no homozygotes.

Submission:

Labcorp Genetics (formerly Invitae), Labcorp
Classification: Uncertain significance. Last evaluated: 2021-08-24. Review status: criteria provided, single submitter. Criteria: Invitae Variant Classification Sherloc (09022015). Collection method: clinical testing. Allele origin: germline.
Comment: In summary, the available evidence is currently insufficient to determine the role of this variant in disease. Therefore, it has been classified as a Variant of Uncertain Significance. Algorithms developed to predict the effect of missense changes on protein structure and function are either unavailable or do not agree on the potential impact of this missense change (SIFT: "Deleterious"; PolyPhen-2: "Possibly Damaging"; Align-GVGD: "Class C0"). This variant has not been reported in the literature in individuals with CTNNB1-related conditions. This variant is not present in population databases (ExAC no frequency). This sequence change replaces methionine with threonine at codon 363 of the CTNNB1 protein (p.Met363Thr). The methionine residue is highly conserved and there is a moderate physicochemical difference between methionine and threonine.